The following is an entry in ClinVar:

ClinVar aggregate classification (germline): Uncertain significance (1 of 4 stars; one submission).

Conditions:
Progressive myoclonic epilepsy type 7. Identifiers: Orphanet 435438, MedGen C4015420, MONDO:0014521, OMIM 616187.

Submission:

Labcorp Genetics (formerly Invitae), Labcorp
Classification: Uncertain significance for Progressive myoclonic epilepsy type 7. Last evaluated: 2023-03-14. Review status: criteria provided, single submitter. Criteria: Invitae Variant Classification Sherloc (09022015). Collection method: clinical testing. Allele origin: germline.
Comment: This sequence change replaces leucine, which is neutral and non-polar, with phenylalanine, which is neutral and non-polar, at codon 549 of the KCNC1 protein (p.Leu549Phe). This variant is not present in population databases (gnomAD no frequency). This variant has not been reported in the literature in individuals affected with KCNC1-related conditions. Advanced modeling of protein sequence and biophysical properties (such as structural, functional, and spatial information, amino acid conservation, physicochemical variation, residue mobility, and thermodynamic stability) performed at Invitae indicates that this missense variant is expected to disrupt KCNC1 protein function. In summary, the available evidence is currently insufficient to determine the role of this variant in disease. Therefore, it has been classified as a Variant of Uncertain Significance.

NM_001112741.2(KCNC1):c.1647A>T (p.Leu549Phe)

Gene: KCNC1 (potassium voltage-gated channel subfamily C member 1; plus strand). Cytogenetic location: 11p15.1.
Variant type: single nucleotide variant.
Coding change: c.1647A>T on transcript NM_001112741.2 (MANE Select); coding-DNA position 1647, A replaced by T.
Protein change: p.Leu549Phe; replaces leucine 549 with phenylalanine.
Molecular consequence: missense variant.
Genome position (GRCh38, 1-based): chr11:17,779,598, A>T. VCF-style: chr11-17779598-A-T. GRCh37 (hg19) VCF-style: chr11-17801145-A-T.
Other names: short protein forms L549F.
Identifiers: ClinVar variation 2845759 (VCV002845759.3), dbSNP rs2497819029, ClinGen allele CA379814516.